The following is an entry in ClinVar:

NM_006231.4(POLE):c.1032C>T (p.Ile344=)

Gene: POLE (DNA polymerase epsilon, catalytic subunit; minus strand). Cytogenetic location: 12q24.33.
Variant type: single nucleotide variant.
Coding change: c.1032C>T on transcript NM_006231.4 (MANE Select); coding-DNA position 1032, C replaced by T.
Protein change: p.Ile344=; no amino-acid change (isoleucine 344 retained).
Molecular consequence: synonymous variant.
Genome position (GRCh38, 1-based): chr12:132,675,809, G>A on the plus strand (C>T on the coding strand, the complement: POLE is on the minus strand). VCF-style: chr12-132675809-G-A. GRCh37 (hg19) VCF-style: chr12-133252395-G-A.
Identifiers: ClinVar variation 1097138 (VCV001097138.13), dbSNP rs763678641, ClinGen allele CA6894101.

ClinVar aggregate classification (germline): Benign/Likely benign. Review status: criteria provided, multiple submitters, no conflicts (2 of 4 stars). 4 submissions from 4 submitters: Benign (1); Likely benign (3). Last evaluated 2025-03-04.

Conditions:
Hereditary cancer-predisposing syndrome. Also called: Tumor predisposition; Hereditary neoplastic syndrome; Hereditary Cancer Syndrome; Neoplastic Syndromes, Hereditary. Identifiers: Orphanet 140162, MedGen C0027672, MeSH D009386, MONDO:0015356.
Colorectal cancer, susceptibility to, 12 (CRCS12). Also called: COLORECTAL CANCER, SUSCEPTIBILITY TO, ON CHROMOSOME 12q24. Identifiers: Orphanet 220460, MedGen C3554460, MONDO:0014038, OMIM 615083.

Allele frequency attached by ClinVar (database versions not stated): gnomAD exomes below 0.00001 and 0.00001; ExAC 0.00002.
gnomAD v4.1: 5 of 1,613,854 alleles (0.00031%); highest among the groups gnomAD compares: Non-Finnish European, 0.00042%; no homozygotes.

Submissions (4):

Center for Genomic Medicine, Rigshospitalet, Copenhagen University Hospital
Classification: Likely benign. Last evaluated: 2025-03-04. Review status: criteria provided, single submitter. Criteria: ACMG Guidelines, 2015. Collection method: clinical testing. Allele origin: germline.

Myriad Genetics, Inc.
Classification: Benign for Colorectal cancer, susceptibility to, 12. Last evaluated: 2025-02-10. Review status: criteria provided, single submitter. Criteria: Myriad Autosomal Dominant, Autosomal Recessive and X-Linked Classification Criteria (2023). Collection method: clinical testing. Allele origin: unknown.
Comment: This variant is considered benign. This variant is a silent/synonymous amino acid change and it is not expected to impact splicing.

Labcorp Genetics (formerly Invitae), Labcorp
Classification: Likely benign. Last evaluated: 2024-07-11. Review status: criteria provided, single submitter. Criteria: Invitae Variant Classification Sherloc (09022015). Collection method: clinical testing. Allele origin: germline.

Ambry Genetics
Classification: Likely benign for Hereditary cancer-predisposing syndrome. Last evaluated: 2020-08-05. Review status: criteria provided, single submitter. Criteria: Ambry Variant Classification Scheme 2023. Collection method: clinical testing. Allele origin: germline.